The following is an entry in ClinVar:

NM_005689.4(ABCB6):c.1561A>G (p.Thr521Ala)

Gene: ABCB6 (ATP binding cassette subfamily B member 6 (LAN blood group); minus strand). Cytogenetic location: 2q35.
Variant type: single nucleotide variant.
Coding change: c.1561A>G on transcript NM_005689.4 (MANE Select); coding-DNA position 1561, A replaced by G.
Protein change: p.Thr521Ala; replaces threonine 521 with alanine.
Molecular consequence: missense variant.
Genome position (GRCh38, 1-based): chr2:219,213,843, T>C on the plus strand (A>G on the coding strand, the complement: ABCB6 is on the minus strand). VCF-style: chr2-219213843-T-C. GRCh37 (hg19) VCF-style: chr2-220078565-T-C.
Other names: c.1423A>G, p.Thr475Ala (NM_001349828.2); short protein forms T521A, T475A.
Identifiers: ClinVar variation 2712743 (VCV002712743.3), dbSNP rs200689831, ClinGen allele CA2119339.
Genomic context (GRCh38, chr2:219,213,843, plus strand): 5'-CTTTTCCTTGTGCCCCACTCTCTCATCCAAGATCCTGCCTCACCTGTAGCTTCTGCTCAG[T>C]GACAAAGTATGCGCAAAGCAGGGAGCCGGCGAGGAGCCCGAGCCCAATCACCAGGTTCTG-3'
Protein context (NP_005680.1, residues 511-531): AGSLLCAYFV[Thr521Ala]EQKLQVGDYV

ClinVar aggregate classification (germline): Uncertain significance (1 of 4 stars; one submission).

Allele frequency attached by ClinVar (database versions not stated): gnomAD 0.00009; ExAC 0.00012; ESP Exome Variant Server 0.00015; TOPMed 0.00018; gnomAD exomes 0.00023.

Submission:

Labcorp Genetics (formerly Invitae), Labcorp
Classification: Uncertain significance. Last evaluated: 2022-11-29. Review status: criteria provided, single submitter. Criteria: Invitae Variant Classification Sherloc (09022015). Collection method: clinical testing. Allele origin: germline.
Comment: This sequence change replaces threonine, which is neutral and polar, with alanine, which is neutral and non-polar, at codon 521 of the ABCB6 protein (p.Thr521Ala). This variant is present in population databases (rs200689831, gnomAD 0.03%). This variant has not been reported in the literature in individuals affected with ABCB6-related conditions. Algorithms developed to predict the effect of missense changes on protein structure and function (SIFT, PolyPhen-2, Align-GVGD) all suggest that this variant is likely to be tolerated. In summary, the available evidence is currently insufficient to determine the role of this variant in disease. Therefore, it has been classified as a Variant of Uncertain Significance.